The following is an entry in ClinVar:

ClinVar aggregate classification (germline): Uncertain significance. Review status: criteria provided, multiple submitters, no conflicts (2 of 4 stars). 2 submissions from 2 submitters: Uncertain significance (2). Last evaluated 2025-07-15.

Conditions:
Inborn genetic diseases. Identifiers: MedGen C0950123, MeSH D030342.

Submissions (2):

Ambry Genetics
Classification: Uncertain significance for Inborn genetic diseases. Last evaluated: 2025-07-15. Review status: criteria provided, single submitter. Criteria: Ambry Variant Classification Scheme 2023. Collection method: clinical testing. Allele origin: germline.

Labcorp Genetics (formerly Invitae), Labcorp
Classification: Uncertain significance. Last evaluated: 2025-06-03. Review status: criteria provided, single submitter. Criteria: Invitae Variant Classification Sherloc (09022015). Collection method: clinical testing. Allele origin: germline.
Comment: This sequence change replaces methionine, which is neutral and non-polar, with isoleucine, which is neutral and non-polar, at codon 2189 of the SRCAP protein (p.Met2189Ile). This variant is not present in population databases (gnomAD no frequency). This variant has not been reported in the literature in individuals affected with SRCAP-related conditions. Invitae Evidence Modeling of protein sequence and biophysical properties (such as structural, functional, and spatial information, amino acid conservation, physicochemical variation, residue mobility, and thermodynamic stability) indicates that this missense variant is not expected to disrupt SRCAP protein function with a negative predictive value of 80%. In summary, the available evidence is currently insufficient to determine the role of this variant in disease. Therefore, it has been classified as a Variant of Uncertain Significance.

NM_006662.3(SRCAP):c.6567G>C (p.Met2189Ile)

Gene: SRCAP (Snf2 related CREBBP activator protein; plus strand). Cytogenetic location: 16p11.2.
Variant type: single nucleotide variant.
Coding change: c.6567G>C on transcript NM_006662.3 (MANE Select); coding-DNA position 6567, G replaced by C.
Protein change: p.Met2189Ile; replaces methionine 2189 with isoleucine.
Molecular consequence: missense variant.
Genome position (GRCh38, 1-based): chr16:30,733,966, G>C. VCF-style: chr16-30733966-G-C. GRCh37 (hg19) VCF-style: chr16-30745287-G-C.
Other names: short protein forms M2189I.
Identifiers: ClinVar variation 4174663 (VCV004174663.2).